The following is an entry in ClinVar:

ClinVar aggregate classification (germline): Uncertain significance (1 of 4 stars; one submission).

Conditions:
Bethlem myopathy 1A. Also called: MYOPATHY, BENIGN CONGENITAL, WITH CONTRACTURES; Bethlem myopathy 1; Bethlem Muscular Dystrophy. Identifiers: Orphanet 610, MedGen CN029274, MONDO:0024530, OMIM 158810.

Allele frequency attached by ClinVar (database versions not stated): gnomAD 0.00001; gnomAD exomes 0.00001; TOPMed 0.00002; ExAC 0.00003.
gnomAD v4.1: 14 of 1,612,674 alleles (0.00087%); highest among the groups gnomAD compares: East Asian, 0.022%; no homozygotes.

Submission:

Labcorp Genetics (formerly Invitae), Labcorp
Classification: Uncertain significance for Bethlem myopathy 1A. Last evaluated: 2024-05-26. Review status: criteria provided, single submitter. Criteria: Invitae Variant Classification Sherloc (09022015). Collection method: clinical testing. Allele origin: germline.
Comment: This sequence change falls in intron 10 of the COL6A2 gene. It does not directly change the encoded amino acid sequence of the COL6A2 protein. It affects a nucleotide within the consensus splice site. This variant is present in population databases (rs766608032, gnomAD 0.03%). This variant has not been reported in the literature in individuals affected with COL6A2-related conditions. Variants that disrupt the consensus splice site are a relatively common cause of aberrant splicing (PMID: 17576681, 9536098). Algorithms developed to predict the effect of sequence changes on RNA splicing suggest that this variant is not likely to affect RNA splicing. In summary, the available evidence is currently insufficient to determine the role of this variant in disease. Therefore, it has been classified as a Variant of Uncertain Significance.

Literature cited by the submitters: PubMed 17576681; PubMed 9536098.

NM_001849.4(COL6A2):c.999+6G>A

Gene: COL6A2 (collagen type VI alpha 2 chain; plus strand). Cytogenetic location: 21q22.3.
Variant type: single nucleotide variant.
Coding change: c.999+6G>A on transcript NM_001849.4 (MANE Select); 6 bases into the intron after coding-DNA position 999, G replaced by A.
Molecular consequence: intron variant.
Genome position (GRCh38, 1-based): chr21:46,116,820, G>A. VCF-style: chr21-46116820-G-A. GRCh37 (hg19) VCF-style: chr21-47536734-G-A.
Other names: c.999+6G>A (NM_058175.3, NM_058174.3).
Identifiers: ClinVar variation 3017369 (VCV003017369.3), dbSNP rs766608032, ClinGen allele CA10071604.
Genomic context (GRCh38, chr21:46,116,820, plus strand): 5'-CTCTCTTCAGGGGGCCCCTGGCCTGGCTGGCAAGAACGGGACCGATGGACAGAAGGTAGA[G>A]GGAGCCTCGGGCTCACAGCTGGACTGGTCTCACAGAGGCATCCCAGCCTCTGCAGGGCCC-3'